The following is an entry in ClinVar:

ClinVar aggregate classification (germline): Uncertain significance (1 of 4 stars; one submission).

Conditions:
CHARGE syndrome (CHARGE). Also called: Hittner Hirsch Kreh syndrome; CHARGE ASSOCIATION--COLOBOMA, HEART ANOMALY, CHOANAL ATRESIA, RETARDATION, GENITAL AND EAR ANOMALIES; Coloboma, heart anomaly, choanal atresia, retardation, genital and ear anomalies; CHARGE association; Hall-Hittner syndrome. Identifiers: Orphanet 138, MedGen C0265354, MONDO:0008965.

Submission:

Labcorp Genetics (formerly Invitae), Labcorp
Classification: Uncertain significance for CHARGE syndrome. Last evaluated: 2025-08-29. Review status: criteria provided, single submitter. Criteria: Invitae Variant Classification Sherloc (09022015). Collection method: clinical testing. Allele origin: germline.
Comment: This sequence change replaces proline, which is neutral and non-polar, with threonine, which is neutral and polar, at codon 611 of the CHD7 protein (p.Pro611Thr). This variant is not present in population databases (gnomAD no frequency). This variant has not been reported in the literature in individuals affected with CHD7-related conditions. Invitae Evidence Modeling of protein sequence and biophysical properties (such as structural, functional, and spatial information, amino acid conservation, physicochemical variation, residue mobility, and thermodynamic stability) indicates that this missense variant is not expected to disrupt CHD7 protein function with a negative predictive value of 95%. In summary, the available evidence is currently insufficient to determine the role of this variant in disease. Therefore, it has been classified as a Variant of Uncertain Significance.

NM_017780.4(CHD7):c.1831C>A (p.Pro611Thr)

Genes: CHD7 (chromodomain helicase DNA binding protein 7; plus strand), LOC126860403 (CDK7 strongly-dependent group 2 enhancer GRCh37_chr8:61693034-61694233; plus strand). Cytogenetic location: 8q12.2.
Variant type: single nucleotide variant.
Coding change: c.1831C>A on transcript NM_017780.4 (MANE Select); coding-DNA position 1831, C replaced by A.
Protein change: p.Pro611Thr; replaces proline 611 with threonine.
Molecular consequence: missense variant. On other transcripts: intron variant (1).
Genome position (GRCh38, 1-based): chr8:60,781,165, C>A. VCF-style: chr8-60781165-C-A. GRCh37 (hg19) VCF-style: chr8-61693724-C-A.
Other names: c.1716+115C>A (NM_001316690.1); short protein forms P611T.
Identifiers: ClinVar variation 4802749 (VCV004802749.1).